The following is an entry in ClinVar:

ClinVar aggregate classification (germline): Uncertain significance (1 of 4 stars; one submission).

Conditions:
CHARGE syndrome (CHARGE). Also called: Hittner Hirsch Kreh syndrome; CHARGE ASSOCIATION--COLOBOMA, HEART ANOMALY, CHOANAL ATRESIA, RETARDATION, GENITAL AND EAR ANOMALIES; Coloboma, heart anomaly, choanal atresia, retardation, genital and ear anomalies; CHARGE association; Hall-Hittner syndrome. Identifiers: Orphanet 138, MedGen C0265354, MONDO:0008965.

gnomAD v4.1: 1 of 1,614,020 alleles (0.000062%); highest among the groups gnomAD compares: Non-Finnish European, 0.000085%; no homozygotes.

Submission:

Labcorp Genetics (formerly Invitae), Labcorp
Classification: Uncertain significance for CHARGE syndrome. Last evaluated: 2024-08-20. Review status: criteria provided, single submitter. Criteria: Invitae Variant Classification Sherloc (09022015). Collection method: clinical testing. Allele origin: germline.
Comment: This sequence change replaces leucine, which is neutral and non-polar, with phenylalanine, which is neutral and non-polar, at codon 2467 of the CHD7 protein (p.Leu2467Phe). This variant is not present in population databases (gnomAD no frequency). This variant has not been reported in the literature in individuals affected with CHD7-related conditions. Invitae Evidence Modeling of protein sequence and biophysical properties (such as structural, functional, and spatial information, amino acid conservation, physicochemical variation, residue mobility, and thermodynamic stability) indicates that this missense variant is not expected to disrupt CHD7 protein function with a negative predictive value of 95%. In summary, the available evidence is currently insufficient to determine the role of this variant in disease. Therefore, it has been classified as a Variant of Uncertain Significance.

NM_017780.4(CHD7):c.7401G>T (p.Leu2467Phe)

Gene: CHD7 (chromodomain helicase DNA binding protein 7; plus strand). Cytogenetic location: 8q12.2.
Variant type: single nucleotide variant.
Coding change: c.7401G>T on transcript NM_017780.4 (MANE Select); coding-DNA position 7401, G replaced by T.
Protein change: p.Leu2467Phe; replaces leucine 2467 with phenylalanine.
Molecular consequence: missense variant. On other transcripts: intron variant (1).
Genome position (GRCh38, 1-based): chr8:60,856,681, G>T. VCF-style: chr8-60856681-G-T. GRCh37 (hg19) VCF-style: chr8-61769240-G-T.
Other names: c.1717-5548G>T (NM_001316690.1); short protein forms L2467F.
Identifiers: ClinVar variation 3603423 (VCV003603423.2).